The following is an entry in ClinVar:

ClinVar aggregate classification (germline): Uncertain significance (1 of 4 stars; one submission).

Allele frequency attached by ClinVar (database versions not stated): 1000 Genomes Project 0.00020; gnomAD 0.00001; gnomAD exomes 0.00001; ExAC 0.00001; 1000 Genomes Project 30x 0.00016.
gnomAD v4.1: 11 of 1,598,422 alleles (0.00069%); highest among the groups gnomAD compares: Admixed American, 0.015%; no homozygotes.

Submission:

GeneDx
Classification: Uncertain significance. Last evaluated: 2022-02-17. Review status: criteria provided, single submitter. Criteria: GeneDx Variant Classification Process June 2021. Collection method: clinical testing. Allele origin: germline. Affected: yes.
Comment: Not observed at significant frequency in large population cohorts (gnomAD); In silico analysis supports that this missense variant does not alter protein structure/function; Has not been previously published as pathogenic or benign to our knowledge

NM_152743.4(BRAT1):c.1819T>A (p.Phe607Ile)

Gene: BRAT1 (BRCA1 associated ATM activator 1; minus strand). Cytogenetic location: 7p22.3.
Variant type: single nucleotide variant.
Coding change: c.1819T>A on transcript NM_152743.4 (MANE Select); coding-DNA position 1819, T replaced by A.
Protein change: p.Phe607Ile; replaces phenylalanine 607 with isoleucine.
Molecular consequence: missense variant. On other transcripts: non-coding transcript variant (1).
Genome position (GRCh38, 1-based): chr7:2,538,716, A>T on the plus strand (T>A on the coding strand, the complement: BRAT1 is on the minus strand). VCF-style: chr7-2538716-A-T. GRCh37 (hg19) VCF-style: chr7-2578350-A-T.
Other names: c.1999T>A, p.Phe667Ile (NM_001350626.2); c.1294T>A, p.Phe432Ile (NM_001350627.2); short protein forms F432I, F607I, F667I.
Identifiers: ClinVar variation 1702621 (VCV001702621.2), dbSNP rs564013530, ClinGen allele CA4127546.